The following is an entry in ClinVar:

ClinVar aggregate classification (germline): Uncertain significance (1 of 4 stars; one submission).

Conditions:
Hereditary cancer-predisposing syndrome. Also called: Neoplastic Syndromes, Hereditary; Tumor predisposition; Hereditary neoplastic syndrome; Hereditary Cancer Syndrome. Identifiers: Orphanet 140162, MedGen C0027672, MeSH D009386, MONDO:0015356.

gnomAD v4.1: 1 of 1,613,016 alleles (0.000062%); highest among the groups gnomAD compares: Non-Finnish European, 0.000085%; no homozygotes.

Submission:

Ambry Genetics
Classification: Uncertain significance for Hereditary cancer-predisposing syndrome. Last evaluated: 2026-06-29. Review status: criteria provided, single submitter. Criteria: Ambry Variant Classification Scheme 2023. Collection method: clinical testing. Allele origin: germline.
Comment: The c.49+3A>G intronic variant results from an A to G substitution 3 nucleotides after coding exon 1 in the PDGFRA gene. This nucleotide position is highly conserved in available vertebrate species. In silico splice site analysis predicts that this alteration may weaken the native splice donor site. Based on the available evidence, the clinical significance of this variant remains unclear.

NM_006206.6(PDGFRA):c.49+3A>G

Gene: PDGFRA (platelet derived growth factor receptor alpha; plus strand). Cytogenetic location: 4q12.
Variant type: single nucleotide variant.
Coding change: c.49+3A>G on transcript NM_006206.6 (MANE Select); 3 bases into the intron after coding-DNA position 49, A replaced by G.
Molecular consequence: intron variant.
Genome position (GRCh38, 1-based): chr4:54,258,820, A>G. VCF-style: chr4-54258820-A-G. GRCh37 (hg19) VCF-style: chr4-55124987-A-G.
Other names: c.124+3A>G (NM_001347828.2); c.49+3A>G (NM_001347827.2, NM_001347829.2); c.88+3A>G (NM_001347830.2).
Identifiers: ClinVar variation 5026404 (VCV005026404.1).